The following is an entry in ClinVar:

NM_014112.5(TRPS1):c.1084G>A (p.Glu362Lys)

Gene: TRPS1 (transcriptional repressor GATA binding 1; minus strand). Cytogenetic location: 8q23.3.
Variant type: single nucleotide variant.
Coding change: c.1084G>A on transcript NM_014112.5 (MANE Select); coding-DNA position 1084, G replaced by A.
Protein change: p.Glu362Lys; replaces glutamic acid 362 with lysine.
Molecular consequence: missense variant.
Genome position (GRCh38, 1-based): chr8:115,604,885, C>T on the plus strand (G>A on the coding strand, the complement: TRPS1 is on the minus strand). VCF-style: chr8-115604885-C-T. GRCh37 (hg19) VCF-style: chr8-116617112-C-T.
Other names: c.1057G>A, p.Glu353Lys (NM_001282902.3); c.1063G>A, p.Glu355Lys (NM_001282903.3); c.1045G>A, p.Glu349Lys (NM_001330599.2); short protein forms E353K, E362K, E349K, E355K.
Identifiers: ClinVar variation 2185609 (VCV002185609.4), dbSNP rs757182048, ClinGen allele CA4851887.
Genomic context (GRCh38, chr8:115,604,885, plus strand): 5'-AGGAGGGGAGAGAAGCTTTTATTTTGTTTGGGTGAGTCTGAAGAAAATGTTGTTCTAATT[C>T]GGTGGATGAGTTGCCCATATAAGTGAAATTGCAGAATTTACAGCGGAAATACTTGGTGTT-3'
Protein context (NP_054831.2, residues 352-372): NFTYMGNSST[Glu362Lys]LEQHFLQTHP

ClinVar aggregate classification (germline): Uncertain significance (1 of 4 stars; one submission).

Conditions:
Trichorhinophalangeal dysplasia type I (TRPS1). Also called: TRICHORHINOPHALANGEAL SYNDROME, TYPE I; TRPS I. Identifiers: Orphanet 77258, MedGen C0432233, MONDO:0008596, OMIM 190350.
Trichorhinophalangeal syndrome, type III (TRPS3). Also called: SUGIO-KAJII SYNDROME. Identifiers: Orphanet 77258, MedGen C1860823, OMIM 190351, MONDO:0008597.

Allele frequency attached by ClinVar (database versions not stated): TOPMed below 0.00001; gnomAD exomes 0.00001; ExAC 0.00002.
gnomAD v4.1: 9 of 1,613,988 alleles (0.00056%); highest among the groups gnomAD compares: Admixed American, 0.0017%; no homozygotes.

Submission:

Labcorp Genetics (formerly Invitae), Labcorp
Classification: Uncertain significance for Trichorhinophalangeal syndrome, type III; Trichorhinophalangeal dysplasia type I. Last evaluated: 2022-02-11. Review status: criteria provided, single submitter. Criteria: Invitae Variant Classification Sherloc (09022015). Collection method: clinical testing. Allele origin: germline.
Comment: In summary, the available evidence is currently insufficient to determine the role of this variant in disease. Therefore, it has been classified as a Variant of Uncertain Significance. Algorithms developed to predict the effect of missense changes on protein structure and function (SIFT, PolyPhen-2, Align-GVGD) all suggest that this variant is likely to be disruptive. This variant has not been reported in the literature in individuals affected with TRPS1-related conditions. This variant is present in population databases (rs757182048, gnomAD 0.004%). This sequence change replaces glutamic acid, which is acidic and polar, with lysine, which is basic and polar, at codon 362 of the TRPS1 protein (p.Glu362Lys).